The following is an entry in ClinVar:

NM_002834.5(PTPN11):c.333-4T>C

Gene: PTPN11 (protein tyrosine phosphatase non-receptor type 11; plus strand). Cytogenetic location: 12q24.13.
Variant type: single nucleotide variant.
Coding change: c.333-4T>C on transcript NM_002834.5 (MANE Select); 4 bases into the intron before coding-DNA position 333, T replaced by C.
Molecular consequence: intron variant.
Genome position (GRCh38, 1-based): chr12:112,453,191, T>C. VCF-style: chr12-112453191-T-C. GRCh37 (hg19) VCF-style: chr12-112890995-T-C.
Other names: c.333-4T>C (NM_001330437.2, NM_080601.3); c.330-4T>C (NM_001374625.1).
Identifiers: ClinVar variation 514631 (VCV000514631.1), dbSNP rs1555267812, ClinGen allele CA658797954.
Genomic context (GRCh38, chr12:112,453,191, plus strand): 5'-TTGTGAAAGAACAACATGAACCCATAGTAGAGCTAAATTCTTTTTTATTTTTTAAAAACT[T>C]TAGGTGGTTTCATGGACATCTCTCTGGGAAAGAAGCAGAGAAATTATTAACTGAAAAAGG-3'

ClinVar aggregate classification (germline): Likely benign (1 of 4 stars; one submission).

Allele frequency attached by ClinVar (database versions not stated): gnomAD exomes below 0.00001.
gnomAD v4.1: 2 of 1,610,782 alleles (0.00012%); highest among the groups gnomAD compares: South Asian, 0.0022%; no homozygotes.

Submission:

GeneDx
Classification: Likely benign. Last evaluated: 2018-01-04. Review status: criteria provided, single submitter. Criteria: GeneDx Variant Classification (06012015). Collection method: clinical testing. Allele origin: germline. Affected: yes.
Comment: This variant is considered likely benign or benign based on one or more of the following criteria: it is a conservative change, it occurs at a poorly conserved position in the protein, it is predicted to be benign by multiple in silico algorithms, and/or has population frequency not consistent with disease.